The following is an entry in ClinVar:

ClinVar aggregate classification (germline): Benign/Likely benign. Review status: criteria provided, multiple submitters, no conflicts (2 of 4 stars). 3 submissions from 3 submitters: Benign (1); Likely benign (2). Last evaluated 2025-05-28.

Conditions:
Hereditary cancer-predisposing syndrome. Also called: Hereditary Cancer Syndrome; Hereditary neoplastic syndrome; Neoplastic Syndromes, Hereditary; Tumor predisposition. Identifiers: Orphanet 140162, MedGen C0027672, MeSH D009386, MONDO:0015356.
Tuberous sclerosis 2 (TSC2). Identifiers: Orphanet 805, MedGen C1860707, MONDO:0013199, OMIM 613254.

Allele frequency attached by ClinVar (database versions not stated): gnomAD exomes below 0.00001.
gnomAD v4.1: 1 of 1,612,826 alleles (0.000062%); highest among the groups gnomAD compares: Non-Finnish European, 0.000085%; no homozygotes.

Submissions (3):

Myriad Genetics, Inc.
Classification: Benign for Tuberous sclerosis 2. Last evaluated: 2025-05-28. Review status: criteria provided, single submitter. Criteria: Myriad Autosomal Dominant, Autosomal Recessive and X-Linked Classification Criteria (2023). Collection method: clinical testing. Allele origin: unknown.
Comment: This variant is considered benign. This variant is a silent/synonymous amino acid change and it is not expected to impact splicing.

Ambry Genetics
Classification: Likely benign for Hereditary cancer-predisposing syndrome. Last evaluated: 2025-01-31. Review status: criteria provided, single submitter. Criteria: Ambry Variant Classification Scheme 2023. Collection method: clinical testing. Allele origin: germline.

Labcorp Genetics (formerly Invitae), Labcorp
Classification: Likely benign for Tuberous sclerosis 2. Last evaluated: 2024-01-04. Review status: criteria provided, single submitter. Criteria: Invitae Variant Classification Sherloc (09022015). Collection method: clinical testing. Allele origin: germline.

NM_000548.5(TSC2):c.3246C>T (p.Gly1082=)

Gene: TSC2 (TSC complex subunit 2; plus strand). Cytogenetic location: 16p13.3.
Variant type: single nucleotide variant.
Coding change: c.3246C>T on transcript NM_000548.5 (MANE Select); coding-DNA position 3246, C replaced by T.
Protein change: p.Gly1082=; no amino-acid change (glycine 1082 retained).
Molecular consequence: synonymous variant. On other transcripts: non-coding transcript variant (5).
Genome position (GRCh38, 1-based): chr16:2,079,390, C>T. VCF-style: chr16-2079390-C-T. GRCh37 (hg19) VCF-style: chr16-2129391-C-T.
Other names: c.1770C>T, p.Gly590= (NM_001406697.1, NM_001406691.1, NM_001406695.1 and 1 more transcripts); c.1512C>T, p.Gly504= (NM_001406698.1); c.3117C>T, p.Gly1039= (NM_021055.3, NM_001363528.2, NM_001370405.1); c.3114C>T, p.Gly1038= (NM_001077183.3, NM_001370404.1, NM_001406665.1); c.3246C>T, p.Gly1082= (NM_001114382.3); c.3006C>T, p.Gly1002= (NM_001318827.2); c.2970C>T, p.Gly990= (NM_001318829.2); c.2514C>T, p.Gly838= (NM_001318831.2, NM_001406687.1, NM_001406688.1); and 18 more.
Identifiers: ClinVar variation 2994069 (VCV002994069.5), dbSNP rs764691385, ClinGen allele CA493042939.